The following is an entry in ClinVar:

NM_032043.3(BRIP1):c.556A>C (p.Lys186Gln)

Gene: BRIP1 (BRCA1 interacting DNA helicase 1; minus strand). Cytogenetic location: 17q23.2.
Variant type: single nucleotide variant.
Coding change: c.556A>C on transcript NM_032043.3 (MANE Select); coding-DNA position 556, A replaced by C.
Protein change: p.Lys186Gln; replaces lysine 186 with glutamine.
Molecular consequence: missense variant.
Genome position (GRCh38, 1-based): chr17:61,847,172, T>G on the plus strand (A>C on the coding strand, the complement: BRIP1 is on the minus strand). VCF-style: chr17-61847172-T-G. GRCh37 (hg19) VCF-style: chr17-59924533-T-G.
Other names: short protein forms K186Q.
Identifiers: ClinVar variation 941646 (VCV000941646.10), dbSNP rs730881624, ClinGen allele CA400483136.

ClinVar aggregate classification (germline): Uncertain significance (1 of 4 stars; one submission).

Conditions:
Familial cancer of breast. Also called: hereditary breast carcinoma; BREAST CANCER, FAMILIAL; Hereditary breast cancer. Identifiers: Orphanet 227535, MedGen C0346153, MONDO:0016419, OMIM 114480. Disease mechanism: loss of function.
Fanconi anemia complementation group J. Also called: BRIP1-Related Fanconi Anemia. Identifiers: Orphanet 84, MedGen C1836860, MONDO:0012187, OMIM 609054.

Submission:

Labcorp Genetics (formerly Invitae), Labcorp
Classification: Uncertain significance for Familial cancer of breast; Fanconi anemia complementation group J. Last evaluated: 2020-01-21. Review status: criteria provided, single submitter. Criteria: Invitae Variant Classification Sherloc (09022015). Collection method: clinical testing. Allele origin: germline.
Comment: In summary, the available evidence is currently insufficient to determine the role of this variant in disease. Therefore, it has been classified as a Variant of Uncertain Significance. Algorithms developed to predict the effect of missense changes on protein structure and function output the following: SIFT: "Tolerated"; PolyPhen-2: "Benign"; Align-GVGD: "Class C0". The glutamine amino acid residue is found in multiple mammalian species, suggesting that this missense change does not adversely affect protein function. These predictions have not been confirmed by published functional studies and their clinical significance is uncertain. This variant has not been reported in the literature in individuals with BRIP1-related conditions. This variant is not present in population databases (ExAC no frequency). This sequence change replaces lysine with glutamine at codon 186 of the BRIP1 protein (p.Lys186Gln). The lysine residue is weakly conserved and there is a small physicochemical difference between lysine and glutamine.